The following is an entry in ClinVar:

ClinVar aggregate classification (germline): Uncertain significance. Review status: criteria provided, multiple submitters, no conflicts (2 of 4 stars). 2 submissions from 2 submitters: Uncertain significance (2). Last evaluated 2025-01-25.

Conditions:
Developmental and epileptic encephalopathy, 74. Also called: EPILEPTIC ENCEPHALOPATHY, EARLY INFANTILE, 74. Identifiers: MedGen C5193074, MONDO:0032725, OMIM 618396.

Submissions (2):

GeneDx
Classification: Uncertain significance. Last evaluated: 2025-01-25. Review status: criteria provided, single submitter. Criteria: GeneDx Variant Classification Process June 2021. Collection method: clinical testing. Allele origin: germline. Affected: yes.
Comment: Not observed at significant frequency in large population cohorts (gnomAD); In silico analysis supports a deleterious effect on splicing; Has not been previously published as pathogenic or benign to our knowledge

Baylor Genetics
Classification: Uncertain significance for Developmental and epileptic encephalopathy, 74. Last evaluated: 2020-07-28. Review status: criteria provided, single submitter. Criteria: ACMG Guidelines, 2015. Collection method: clinical testing. Allele origin: unknown. Affected: yes.
Comment: This variant was determined to be of uncertain significance according to ACMG Guidelines, 2015 [PMID:25741868].

NM_198904.4(GABRG2):c.770-12G>A

Gene: GABRG2 (gamma-aminobutyric acid type A receptor subunit gamma2; plus strand). Cytogenetic location: 5q34.
Variant type: single nucleotide variant.
Coding change: c.770-12G>A on transcript NM_198904.4 (MANE Select); 12 bases into the intron before coding-DNA position 770, G replaced by A.
Molecular consequence: intron variant.
Genome position (GRCh38, 1-based): chr5:162,142,152, G>A. VCF-style: chr5-162142152-G-A. GRCh37 (hg19) VCF-style: chr5-161569158-G-A.
Other names: c.485-12G>A (NM_001375349.1); c.890-12G>A (NM_001375343.1, NM_198903.2); c.809-12G>A (NM_001375344.1); c.770-12G>A (NM_001375340.1, NM_000816.3); c.770-15G>A (NM_001375341.1, NM_001375342.1); c.350-12G>A (NM_001375350.1, NM_001375348.1); c.761-12G>A (NM_001375339.1); c.704-12G>A (NM_001375346.1, NM_001375345.1); and 1 more.
Identifiers: ClinVar variation 1028382 (VCV001028382.2), dbSNP rs1764615198, ClinGen allele CA1596377140.